The following is an entry in ClinVar:

ClinVar aggregate classification (germline): Uncertain significance (1 of 4 stars; one submission).

Conditions:
PKD1-related disorder. Also called: PKD1-related condition.

Submission:

PreventionGenetics, part of Exact Sciences
Classification: Uncertain significance for PKD1-related condition. Last evaluated: 2026-07-21. Review status: criteria provided, single submitter. Criteria: ACMG Guidelines, 2015. Collection method: clinical testing. Allele origin: germline.
Comment: The PKD1 c.9133A>C variant is predicted to result in the amino acid substitution p.Thr3045Pro. To our knowledge, this variant has not been reported in the literature or in a large population database (gnomAD), indicating this variant is rare. At this time, the clinical significance of this variant is uncertain due to the absence of conclusive functional and genetic evidence.

NM_001009944.3(PKD1):c.9133A>C (p.Thr3045Pro)

Gene: PKD1 (polycystin 1, transient receptor potential channel interacting; minus strand). Cytogenetic location: 16p13.3.
Variant type: single nucleotide variant.
Coding change: c.9133A>C on transcript NM_001009944.3 (MANE Select); coding-DNA position 9133, A replaced by C.
Protein change: p.Thr3045Pro; replaces threonine 3045 with proline.
Molecular consequence: missense variant.
Genome position (GRCh38, 1-based): chr16:2,102,449, T>G on the plus strand (A>C on the coding strand, the complement: PKD1 is on the minus strand). VCF-style: chr16-2102449-T-G. GRCh37 (hg19) VCF-style: chr16-2152450-T-G.
Other names: c.9133A>C, p.Thr3045Pro (NM_000296.4); short protein forms T3045P.
Identifiers: ClinVar variation 4992972 (VCV004992972.1).